The following is an entry in ClinVar:

NM_000104.4(CYP1B1):c.876G>C (p.Met292Ile)

Gene: CYP1B1 (cytochrome P450 family 1 subfamily B member 1; minus strand). Cytogenetic location: 2p22.2.
Variant type: single nucleotide variant.
Coding change: c.876G>C on transcript NM_000104.4 (MANE Select); coding-DNA position 876, G replaced by C.
Protein change: p.Met292Ile; replaces methionine 292 with isoleucine.
Molecular consequence: missense variant.
Genome position (GRCh38, 1-based): chr2:38,074,513, C>G on the plus strand (G>C on the coding strand, the complement: CYP1B1 is on the minus strand). VCF-style: chr2-38074513-C-G. GRCh37 (hg19) VCF-style: chr2-38301656-C-G.
Other names: short protein forms M292I.
Identifiers: ClinVar variation 3907627 (VCV003907627.1).
Genomic context (GRCh38, chr2:38,074,513, plus strand): 5'-GCCACCACCGTGCGAGTCCCCGGCCGCCTTCTTTTCCGCAGAGAGGATAAAGGCGTCCAT[C>G]ATGTCGCGGGGGGCGGCCCCGGGCCGAAGGCTTTCGCAGTGCCTCAAGAACTTGTCCAGG-3'
Protein context (NP_000095.2, residues 282-302): SLRPGAAPRD[Met292Ile]MDAFILSAEK

ClinVar aggregate classification (germline): Uncertain significance (1 of 4 stars; one submission).

Submission:

Women's Health and Genetics/Laboratory Corporation of America, LabCorp
Classification: Uncertain significance. Last evaluated: 2025-06-20. Review status: criteria provided, single submitter. Criteria: LabCorp Variant Classification Summary - May 2015. Collection method: clinical testing. Allele origin: germline.
Comment: Variant summary: CYP1B1 c.876G>C (p.Met292Ile) results in a conservative amino acid change in the encoded protein sequence. Algorithms developed to predict the effect of missense changes on protein structure and function are either unavailable or do not agree on the potential impact of this missense change. The variant was absent in 237142 control chromosomes. The available data on variant occurrences in the general population are insufficient to allow any conclusion about variant significance. To our knowledge, no occurrence of c.876G>C in individuals affected with Primary Congenital Glaucoma and no experimental evidence demonstrating its impact on protein function have been reported. No submitters have cited clinical-significance assessments for this variant to ClinVar. Based on the evidence outlined above, the variant was classified as uncertain significance.